The following is an entry in ClinVar:

NM_153676.4(USH1C):c.610A>C (p.Asn204His)

Gene: USH1C (USH1 protein network component harmonin; minus strand). Cytogenetic location: 11p15.1.
Variant type: single nucleotide variant.
Coding change: c.610A>C on transcript NM_153676.4 (MANE Select); coding-DNA position 610, A replaced by C.
Protein change: p.Asn204His; replaces asparagine 204 with histidine.
Molecular consequence: missense variant. On other transcripts: non-coding transcript variant (1).
Genome position (GRCh38, 1-based): chr11:17,526,411, T>G on the plus strand (A>C on the coding strand, the complement: USH1C is on the minus strand). VCF-style: chr11-17526411-T-G. GRCh37 (hg19) VCF-style: chr11-17547958-T-G.
Other names: c.610A>C, p.Asn204His (NM_001297764.2, NM_005709.4); short protein forms N204H.
Identifiers: ClinVar variation 1975449 (VCV001975449.2), dbSNP rs2497182762, ClinGen allele CA379793607.

ClinVar aggregate classification (germline): Uncertain significance (1 of 4 stars; one submission).

Submission:

Labcorp Genetics (formerly Invitae), Labcorp
Classification: Uncertain significance. Last evaluated: 2022-08-19. Review status: criteria provided, single submitter. Criteria: Invitae Variant Classification Sherloc (09022015). Collection method: clinical testing. Allele origin: germline.
Comment: This sequence change replaces asparagine, which is neutral and polar, with histidine, which is basic and polar, at codon 204 of the USH1C protein (p.Asn204His). This variant is not present in population databases (gnomAD no frequency). This variant has not been reported in the literature in individuals affected with USH1C-related conditions. Algorithms developed to predict the effect of missense changes on protein structure and function (SIFT, PolyPhen-2, Align-GVGD) all suggest that this variant is likely to be tolerated. In summary, the available evidence is currently insufficient to determine the role of this variant in disease. Therefore, it has been classified as a Variant of Uncertain Significance.